The following is an entry in ClinVar:

NM_000341.4(SLC3A1):c.418G>A (p.Gly140Arg)

Gene: SLC3A1 (solute carrier family 3 member 1; plus strand). Cytogenetic location: 2p21.
Variant type: single nucleotide variant.
Coding change: c.418G>A on transcript NM_000341.4 (MANE Select); coding-DNA position 418, G replaced by A.
Protein change: p.Gly140Arg; replaces glycine 140 with arginine.
Molecular consequence: missense variant.
Genome position (GRCh38, 1-based): chr2:44,275,953, G>A. VCF-style: chr2-44275953-G-A. GRCh37 (hg19) VCF-style: chr2-44503092-G-A.
Other names: short protein forms G140R.
Identifiers: ClinVar variation 2734171 (VCV002734171.4), dbSNP rs768848958, ClinGen allele CA1640109.
Genomic context (GRCh38, chr2:44,275,953, plus strand): 5'-GAGGGGCCCATGTACCAGATCTACCCAAGGTCTTTCAAGGACAGTAACAAGGATGGGAAC[G>A]GAGATCTGAAAGGTACATGCCCAGAGATCATTTAGGGTGGGTGCCAGGATGAGATTGGTT-3'
Protein context (NP_000332.2, residues 130-150): SFKDSNKDGN[Gly140Arg]DLKGIQDKLD

ClinVar aggregate classification (germline): Conflicting classifications of pathogenicity. Review status: criteria provided, conflicting classifications (1 of 4 stars). 2 submissions from 2 submitters: Likely pathogenic (1); Uncertain significance (1). Last evaluated 2025-03-10.

Conditions:
Cystinuria (CSNU). Also called: Cystinuria, non-type I; CYSTINURIA, TYPE I; CYSTINURIA, TYPE II; CYSTINURIA, TYPE III. Identifiers: Orphanet 214, MedGen C0010691, MONDO:0009067, OMIM 220100, HP:0003131.

Allele frequency attached by ClinVar (database versions not stated): ExAC 0.00001; TOPMed 0.00002; gnomAD exomes 0.00001.

Submissions (2):

Labcorp Genetics (formerly Invitae), Labcorp
Classification: Uncertain significance for Cystinuria. Last evaluated: 2025-03-10. Review status: criteria provided, single submitter. Criteria: Invitae Variant Classification Sherloc (09022015). Collection method: clinical testing. Allele origin: germline.
Comment: This sequence change replaces glycine, which is neutral and non-polar, with arginine, which is basic and polar, at codon 140 of the SLC3A1 protein (p.Gly140Arg). This variant is present in population databases (rs768848958, gnomAD 0.008%). This missense change has been observed in individuals with cystinuria (PMID: 16138908, 25109415, 28646536). ClinVar contains an entry for this variant (Variation ID: 2734171). Invitae Evidence Modeling of protein sequence and biophysical properties (such as structural, functional, and spatial information, amino acid conservation, physicochemical variation, residue mobility, and thermodynamic stability) has been performed for this missense variant. However, the output from this modeling did not meet the statistical confidence thresholds required to predict the impact of this variant on SLC3A1 protein function. In summary, the available evidence is currently insufficient to determine the role of this variant in disease. Therefore, it has been classified as a Variant of Uncertain Significance.

Fulgent Genetics
Classification: Likely pathogenic for Cystinuria. Last evaluated: 2024-05-13. Review status: criteria provided, single submitter. Criteria: ACMG Guidelines, 2015. Collection method: clinical testing. Allele origin: germline.

Literature cited by the submitters: PubMed 16138908 (cited by Labcorp Genetics (formerly Invitae), Labcorp); PubMed 25109415 (cited by Labcorp Genetics (formerly Invitae), Labcorp); PubMed 28646536 (cited by Labcorp Genetics (formerly Invitae), Labcorp).